The following is an entry in ClinVar:

ClinVar aggregate classification (germline): Conflicting classifications of pathogenicity. Review status: criteria provided, conflicting classifications (1 of 4 stars). 6 submissions from 6 submitters: Uncertain significance (3); Likely benign (3). Last evaluated 2025-01-13.

Conditions:
BBS9-related disorder. Also called: BBS9-related condition.
Bardet-Biedl syndrome 9 (BBS9). Identifiers: Orphanet 110, MedGen C1859567, MONDO:0014437, OMIM 615986.
Bardet-Biedl syndrome (BBS). Identifiers: Orphanet 110, MedGen C0752166, MONDO:0015229.

Allele frequency attached by ClinVar (database versions not stated): gnomAD 0.00022; ExAC 0.00024; gnomAD exomes 0.00026; TOPMed 0.00029; 1000 Genomes Project 30x 0.00031; ESP Exome Variant Server 0.00031; 1000 Genomes Project 0.00040.
gnomAD v4.1: 500 of 1,613,750 alleles (0.031%); highest among the groups gnomAD compares: Middle Eastern, 0.099%; 1 homozygote.

Submissions (6):

Labcorp Genetics (formerly Invitae), Labcorp
Classification: Uncertain significance for Bardet-Biedl syndrome. Last evaluated: 2025-01-13. Review status: criteria provided, single submitter. Criteria: Invitae Variant Classification Sherloc (09022015). Collection method: clinical testing. Allele origin: germline.
Comment: This sequence change replaces threonine, which is neutral and polar, with alanine, which is neutral and non-polar, at codon 865 of the BBS9 protein (p.Thr865Ala). This variant is present in population databases (rs143963391, gnomAD 0.05%). This variant has not been reported in the literature in individuals affected with BBS9-related conditions. ClinVar contains an entry for this variant (Variation ID: 360072). An algorithm developed to predict the effect of missense changes on protein structure and function (PolyPhen-2) suggests that this variant¬†is likely to be tolerated. In summary, the available evidence is currently insufficient to determine the role of this variant in disease. Therefore, it has been classified as a Variant of Uncertain Significance.

Blueprint Genetics
Classification: Likely benign. Last evaluated: 2024-11-14. Review status: criteria provided, single submitter. Criteria: ACMG Guidelines, 2015. Collection method: clinical testing. Allele origin: germline.

PreventionGenetics, part of Exact Sciences
Classification: Likely benign for BBS9-related condition. Last evaluated: 2024-11-07. Review status: criteria provided, single submitter. Criteria: ACMG Guidelines, 2015. Collection method: clinical testing. Allele origin: germline.
Comment: This variant is classified as likely benign based on ACMG/AMP sequence variant interpretation guidelines (Richards et al. 2015 PMID: 25741868, with internal and published modifications).

Fulgent Genetics
Classification: Likely benign for Bardet-Biedl syndrome 9. Last evaluated: 2024-03-28. Review status: criteria provided, single submitter. Criteria: ACMG Guidelines, 2015. Collection method: clinical testing. Allele origin: germline.

Illumina Laboratory Services, Illumina
Classification: Uncertain significance for Bardet-Biedl syndrome 9. Last evaluated: 2018-01-13. Review status: criteria provided, single submitter. Criteria: ICSL Variant Classification Criteria 13 December 2019. Collection method: clinical testing. Allele origin: germline.

Breakthrough Genomics
Classification: Uncertain significance. Review status: criteria provided, single submitter. Criteria: ACMG Guidelines, 2015. Collection method: not provided. Allele origin: germline. Inheritance: Autosomal recessive inheritance. Affected: yes.

NM_198428.3(BBS9):c.2593A>G (p.Thr865Ala)

Gene: BBS9 (Bardet-Biedl syndrome 9; plus strand). Cytogenetic location: 7p14.3.
Variant type: single nucleotide variant.
Coding change: c.2593A>G on transcript NM_198428.3 (MANE Select); coding-DNA position 2593, A replaced by G.
Protein change: p.Thr865Ala; replaces threonine 865 with alanine.
Molecular consequence: missense variant. On other transcripts: non-coding transcript variant (3), intron variant (1).
Genome position (GRCh38, 1-based): chr7:33,604,936, A>G. VCF-style: chr7-33604936-A-G. GRCh37 (hg19) VCF-style: chr7-33644548-A-G.
Other names: c.2488A>G, p.Thr830Ala (NM_001033604.2); c.2578A>G, p.Thr860Ala (NM_001033605.2); c.2593A>G, p.Thr865Ala (NM_001348036.1, NM_001348041.4, NM_001348043.3); c.2044A>G, p.Thr682Ala (NM_001348037.3); c.2320A>G, p.Thr774Ala (NM_001348038.3); c.2215A>G, p.Thr739Ala (NM_001348039.3); c.2473A>G, p.Thr825Ala (NM_001348040.3, NM_014451.4); c.2458A>G, p.Thr820Ala (NM_001348042.3); and 3 more; short protein forms T865A, T682A, T708A, T743A, T774A, T739A, T830A, T860A.
Identifiers: ClinVar variation 360072 (VCV000360072.17), dbSNP rs143963391, ClinGen allele CA4214740.
Genomic context (GRCh38, chr7:33,604,936, plus strand): 5'-ACAATCCCAGAGTCAGACCTAGAAGAAAGATCAGTAGAACAAGACTCTACAGAACTGTTT[A>G]CCAACCACAGACATCTCACTGCAGAGACACCCAGGCCTGGTAAGAGACTGGATGGCCTTC-3'
Protein context (NP_940820.1, residues 855-875): SVEQDSTELF[Thr865Ala]NHRHLTAETP